The following is an entry in ClinVar:

ClinVar aggregate classification (germline): Uncertain significance (1 of 4 stars; one submission).

Conditions:
Amyotrophic lateral sclerosis, susceptibility to, 24. Identifiers: MedGen C4693523, MONDO:0054750, OMIM 617892.

Submission:

Center for Human Genetics and Genomic Medicine, Uniklinik Rwth Aachen
Classification: Uncertain significance for Amyotrophic lateral sclerosis, susceptibility to, 24. Last evaluated: 2021-12-23. Review status: criteria provided, single submitter. Criteria: ACMG Guidelines, 2015. Collection method: clinical testing. Allele origin: unknown. Affected: yes.
Comment: The variant has not yet been reported in databases or in the literature. Bioinformatic prediction tools give ambiguous results. Kenna et al. (2016) report pathogenic missense variants in close vicinity to the detected variant. It is regarded as a variant of uncertain significance.

Literature cited by the submitters: PubMed 27455347.

NM_001199397.3(NEK1):c.3838T>C (p.Tyr1280His)

Gene: NEK1 (NIMA related kinase 1; minus strand). Cytogenetic location: 4q33.
Variant type: single nucleotide variant.
Coding change: c.3838T>C on transcript NM_001199397.3 (MANE Select); coding-DNA position 3838, T replaced by C.
Protein change: p.Tyr1280His; replaces tyrosine 1280 with histidine.
Molecular consequence: missense variant. On other transcripts: non-coding transcript variant (1).
Genome position (GRCh38, 1-based): chr4:169,400,234, A>G on the plus strand (T>C on the coding strand, the complement: NEK1 is on the minus strand). VCF-style: chr4-169400234-A-G. GRCh37 (hg19) VCF-style: chr4-170321385-A-G.
Other names: c.3706T>C, p.Tyr1236His (NM_001199398.3); c.3547T>C, p.Tyr1183His (NM_001199399.3); c.3622T>C, p.Tyr1208His (NM_001199400.3); c.3838T>C, p.Tyr1280His (NM_001374418.1); c.3754T>C, p.Tyr1252His (NM_001374419.1, NM_012224.4); c.3703T>C, p.Tyr1235His (NM_001374420.1); c.3355T>C, p.Tyr1119His (NM_001374421.1); short protein forms Y1119H, Y1183H, Y1208H, Y1235H, Y1236H, Y1252H, Y1280H.
Identifiers: ClinVar variation 1328972 (VCV001328972.3), dbSNP rs2111006014, ClinGen allele CA358799642.
Genomic context (GRCh38, chr4:169,400,234, plus strand): 5'-TGTTTTTCTCACATTTACTGAAAATTATACAGACATGTGAGGAAATCTTACCTTCTTGGT[A>G]GGCTCCATCTGCCATGACTAAATGAAGAATCTTGGCATAAAGATGCTGATGTTCATTTCC-3'
Protein context (NP_001186326.1, residues 1270-1286): ILHLVMADGA[Tyr1280His]QEDNDE